The following is an entry in ClinVar:

ClinVar aggregate classification (germline): Uncertain significance (1 of 4 stars; one submission).

gnomAD v4.1: 4 of 1,545,464 alleles (0.00026%); highest among the groups gnomAD compares: Non-Finnish European, 0.00035%; no homozygotes.

Submission:

Labcorp Genetics (formerly Invitae), Labcorp
Classification: Uncertain significance. Last evaluated: 2022-03-14. Review status: criteria provided, single submitter. Criteria: Invitae Variant Classification Sherloc (09022015). Collection method: clinical testing. Allele origin: germline.
Comment: This sequence change replaces proline, which is neutral and non-polar, with threonine, which is neutral and polar, at codon 782 of the UNC80 protein (p.Pro782Thr). The frequency data for this variant in the population databases is considered unreliable, as metrics indicate poor data quality at this position in the gnomAD database. This variant has not been reported in the literature in individuals affected with UNC80-related conditions. Algorithms developed to predict the effect of missense changes on protein structure and function are either unavailable or do not agree on the potential impact of this missense change (SIFT: "Not Available"; PolyPhen-2: "Benign"; Align-GVGD: "Not Available"). In summary, the available evidence is currently insufficient to determine the role of this variant in disease. Therefore, it has been classified as a Variant of Uncertain Significance.

NM_001371986.1(UNC80):c.2344C>A (p.Pro782Thr)

Gene: UNC80 (unc-80 homolog, NALCN channel complex subunit; plus strand). Cytogenetic location: 2q34.
Variant type: single nucleotide variant.
Coding change: c.2344C>A on transcript NM_001371986.1 (MANE Select); coding-DNA position 2344, C replaced by A.
Protein change: p.Pro782Thr; replaces proline 782 with threonine.
Molecular consequence: missense variant.
Genome position (GRCh38, 1-based): chr2:209,825,919, C>A. VCF-style: chr2-209825919-C-A. GRCh37 (hg19) VCF-style: chr2-210690643-C-A.
Other names: c.2344C>A, p.Pro782Thr (NM_032504.2, NM_182587.4); short protein forms P782T.
Identifiers: ClinVar variation 2106056 (VCV002106056.1), dbSNP rs530862952, ClinGen allele CA350137198.